The following is an entry in ClinVar:

ClinVar aggregate classification (germline): Uncertain significance (1 of 4 stars; one submission).

Conditions:
Hypokalemic periodic paralysis, type 1. Also called: HypoPP; Hypokalemic Periodic Paralysis Type 1 (AD). Identifiers: Orphanet 681, MedGen C3714580, MONDO:0042979, OMIM 170400.
Malignant hyperthermia, susceptibility to, 5 (MHS5). Also called: CACNA1S-Related Malignant Hyperthermia Susceptibility. Identifiers: Orphanet 423, MedGen C1866077, MONDO:0011163, OMIM 601887.

gnomAD v4.1: 3 of 1,613,860 alleles (0.00019%); highest among the groups gnomAD compares: Non-Finnish European, 0.00025%; no homozygotes.

Submission:

Labcorp Genetics (formerly Invitae), Labcorp
Classification: Uncertain significance for Hypokalemic periodic paralysis, type 1; Malignant hyperthermia, susceptibility to, 5. Last evaluated: 2025-04-23. Review status: criteria provided, single submitter. Criteria: Invitae Variant Classification Sherloc (09022015). Collection method: clinical testing. Allele origin: germline.
Comment: This sequence change replaces proline, which is neutral and non-polar, with leucine, which is neutral and non-polar, at codon 1310 of the CACNA1S protein (p.Pro1310Leu). This variant is present in population databases (rs756840267, gnomAD 0.0009%). This variant has not been reported in the literature in individuals affected with CACNA1S-related conditions. Invitae Evidence Modeling of protein sequence and biophysical properties (such as structural, functional, and spatial information, amino acid conservation, physicochemical variation, residue mobility, and thermodynamic stability) indicates that this missense variant is not expected to disrupt CACNA1S protein function with a negative predictive value of 95%. In summary, the available evidence is currently insufficient to determine the role of this variant in disease. Therefore, it has been classified as a Variant of Uncertain Significance.

NM_000069.3(CACNA1S):c.3929C>T (p.Pro1310Leu)

Gene: CACNA1S (calcium voltage-gated channel subunit alpha1 S; minus strand). Cytogenetic location: 1q32.1.
Variant type: single nucleotide variant.
Coding change: c.3929C>T on transcript NM_000069.3 (MANE Select); coding-DNA position 3929, C replaced by T.
Protein change: p.Pro1310Leu; replaces proline 1310 with leucine.
Molecular consequence: missense variant.
Genome position (GRCh38, 1-based): chr1:201,052,581, G>A on the plus strand (C>T on the coding strand, the complement: CACNA1S is on the minus strand). VCF-style: chr1-201052581-G-A. GRCh37 (hg19) VCF-style: chr1-201021709-G-A.
Other names: short protein forms P1310L.
Identifiers: ClinVar variation 4794932 (VCV004794932.1).